The following is an entry in ClinVar:

NM_172364.5(CACNA2D4):c.3114G>T (p.Lys1038Asn)

Gene: CACNA2D4 (calcium voltage-gated channel auxiliary subunit alpha2delta 4; minus strand). Cytogenetic location: 12p13.33.
Variant type: single nucleotide variant.
Coding change: c.3114G>T on transcript NM_172364.5 (MANE Select); coding-DNA position 3114, G replaced by T.
Protein change: p.Lys1038Asn; replaces lysine 1038 with asparagine.
Molecular consequence: missense variant.
Genome position (GRCh38, 1-based): chr12:1,795,780, C>A on the plus strand (G>T on the coding strand, the complement: CACNA2D4 is on the minus strand). VCF-style: chr12-1795780-C-A. GRCh37 (hg19) VCF-style: chr12-1904946-C-A.
Other names: short protein forms K1038N.
Identifiers: ClinVar variation 854792 (VCV000854792.10), dbSNP rs1393377280, ClinGen allele CA383348401.
Genomic context (GRCh38, chr12:1,795,780, plus strand): 5'-GGTGGGGTCTGTCACCAGGAGGAGGAGGTTACTGTTGGGAATCTGCTGCACCACAAATAC[C>A]CTGCAGCAAAGAAAGGGAGTCGAGGATGGCTCCGTGGCGACCACGAGAAGGGCTTCTAGG-3'
Protein context (NP_758952.4, residues 1028-1048): NGIVECGPCQ[Lys1038Asn]VFVVQQIPNS

ClinVar aggregate classification (germline): Uncertain significance (1 of 4 stars; one submission).

Submission:

Labcorp Genetics (formerly Invitae), Labcorp
Classification: Uncertain significance. Last evaluated: 2019-12-30. Review status: criteria provided, single submitter. Criteria: Invitae Variant Classification Sherloc (09022015). Collection method: clinical testing. Allele origin: germline.
Comment: This sequence change replaces lysine with asparagine at codon 1038 of the CACNA2D4 protein (p.Lys1038Asn). The lysine residue is moderately conserved and there is a moderate physicochemical difference between lysine and asparagine. This variant is not present in population databases (ExAC no frequency). This variant has not been reported in the literature in individuals with CACNA2D4-related conditions. Algorithms developed to predict the effect of missense changes on protein structure and function are either unavailable or do not agree on the potential impact of this missense change (SIFT: "Deleterious"; PolyPhen-2: "Benign"; Align-GVGD: "Class C0"). In summary, the available evidence is currently insufficient to determine the role of this variant in disease. Therefore, it has been classified as a Variant of Uncertain Significance.